The following is an entry in ClinVar:

ClinVar aggregate classification (germline): Uncertain significance (1 of 4 stars; one submission).

Submission:

Mayo Clinic Laboratories, Mayo Clinic
Classification: Uncertain significance. Last evaluated: 2025-05-27. Review status: criteria provided, single submitter. Criteria: ACMG Guidelines, 2015. Collection method: clinical testing. Allele origin: germline. Observed: 1 variant allele.
Comment: PP3, PM2_supporting

NM_001098484.3(SLC4A4):c.491G>A (p.Cys164Tyr)

Gene: SLC4A4 (solute carrier family 4 member 4; plus strand). Cytogenetic location: 4q13.3.
Variant type: single nucleotide variant.
Coding change: c.491G>A on transcript NM_001098484.3 (MANE Select); coding-DNA position 491, G replaced by A.
Protein change: p.Cys164Tyr; replaces cysteine 164 with tyrosine.
Molecular consequence: missense variant.
Genome position (GRCh38, 1-based): chr4:71,350,013, G>A. VCF-style: chr4-71350013-G-A. GRCh37 (hg19) VCF-style: chr4-72215730-G-A.
Other names: p.Cys164Tyr; c.491G>A, p.Cys164Tyr (NM_001134742.2); c.506G>A, p.Cys169Tyr (NM_001440628.1); c.584G>A, p.Cys195Tyr (NM_001440629.1); c.359G>A, p.Cys120Tyr (NM_003759.4); short protein forms C169Y, C195Y, C164Y, C120Y.
Identifiers: ClinVar variation 4540983 (VCV004540983.1).
Genomic context (GRCh38, chr4:71,350,013, plus strand): 5'-GATGGAGCAAGCCCCATGTGGCCACATTGTCCCTTCATAGTTTATTTGAGCTGAGGACAT[G>A]TATGGAGAAAGGATCCATCATGCTTGATCGGGAGGCTTCTTCTCTCCCACAGTTGGTGGG-3'
Protein context (NP_001091954.1, residues 154-174): SLHSLFELRT[Cys164Tyr]MEKGSIMLDR